The following is an entry in ClinVar:

ClinVar aggregate classification (germline): Uncertain significance (1 of 4 stars; one submission).

Conditions:
Congenital adrenal hypoplasia, X-linked (AHC). Also called: Isolated X-Linked Adrenal Hypoplasia Congenita; X-linked AHC; X-Linked Adrenal Hypoplasia Congenita; ADRENAL HYPOPLASIA, CONGENITAL, WITH HYPOGONADOTROPIC HYPOGONADISM. Identifiers: Orphanet 95702, MedGen C0342482, MONDO:0010264, OMIM 300200. Disease mechanism: loss of function.
46,XY sex reversal 2. Also called: NR0B1-Related 46,XY CGD; NR0B1-related 46,XY complete gonadal dysgenesis; Dosage-sensitive sex reversal; 46,XY SEX REVERSAL, DAX1-RELATED; 46XY sex reversal 2, dosage-sensitive. Identifiers: MedGen C1848296, MONDO:0010226, OMIM 300018.

Submission:

Labcorp Genetics (formerly Invitae), Labcorp
Classification: Uncertain significance for Congenital adrenal hypoplasia, X-linked; 46,XY sex reversal 2. Last evaluated: 2023-03-08. Review status: criteria provided, single submitter. Criteria: Invitae Variant Classification Sherloc (09022015). Collection method: clinical testing. Allele origin: germline.
Comment: Advanced modeling of protein sequence and biophysical properties (such as structural, functional, and spatial information, amino acid conservation, physicochemical variation, residue mobility, and thermodynamic stability) performed at Invitae indicates that this missense variant is not expected to disrupt NR0B1 protein function. In summary, the available evidence is currently insufficient to determine the role of this variant in disease. Therefore, it has been classified as a Variant of Uncertain Significance. This variant has not been reported in the literature in individuals affected with NR0B1-related conditions. This variant is not present in population databases (gnomAD no frequency). This sequence change replaces proline, which is neutral and non-polar, with arginine, which is basic and polar, at codon 103 of the NR0B1 protein (p.Pro103Arg).

NM_000475.5(NR0B1):c.308C>G (p.Pro103Arg)

Gene: NR0B1 (nuclear receptor subfamily 0 group B member 1; minus strand). Cytogenetic location: Xp21.2.
Variant type: single nucleotide variant.
Coding change: c.308C>G on transcript NM_000475.5 (MANE Select); coding-DNA position 308, C replaced by G.
Protein change: p.Pro103Arg; replaces proline 103 with arginine.
Molecular consequence: missense variant.
Genome position (GRCh38, 1-based): chrX:30,309,056, G>C on the plus strand (C>G on the coding strand, the complement: NR0B1 is on the minus strand). VCF-style: chrX-30309056-G-C. GRCh37 (hg19) VCF-style: chrX-30327173-G-C.
Other names: short protein forms P103R.
Identifiers: ClinVar variation 2938164 (VCV002938164.3), dbSNP rs368742214, ClinGen allele CA412549034.
Genomic context (GRCh38, chrX:30,309,056, plus strand): 5'-CCACCCGGAAGCCCCGCTCTGCCCACCCCGGGATCAGAGCCGCACGAACAGCCCCAGCAC[G>C]GACCCAGCGTCGCCTCGGGCGCCTTCGGTGCCGCGTACGTTTGCTTTGCGCTCGTCAGCA-3'
Protein context (NP_000466.2, residues 93-113): APKAPEATLG[Pro103Arg]CWGCSCGSDP